The following is an entry in ClinVar:

NM_206933.4(USH2A):c.7637C>A (p.Ser2546Ter)

Gene: USH2A (usherin; minus strand). Cytogenetic location: 1q41.
Variant type: single nucleotide variant.
Coding change: c.7637C>A on transcript NM_206933.4 (MANE Select); coding-DNA position 7637, C replaced by A.
Protein change: p.Ser2546Ter; replaces serine 2546 with a stop codon.
Molecular consequence: nonsense.
Genome position (GRCh38, 1-based): chr1:215,889,012, G>T on the plus strand (C>A on the coding strand, the complement: USH2A is on the minus strand). VCF-style: chr1-215889012-G-T. GRCh37 (hg19) VCF-style: chr1-216062354-G-T.
Other names: short protein forms S2546*.
Identifiers: ClinVar variation 2725271 (VCV002725271.3), dbSNP rs2464751124, ClinGen allele CA344841560.

ClinVar aggregate classification (germline): Pathogenic (1 of 4 stars; one submission).

Submission:

Labcorp Genetics (formerly Invitae), Labcorp
Classification: Pathogenic. Last evaluated: 2023-06-23. Review status: criteria provided, single submitter. Criteria: Invitae Variant Classification Sherloc (09022015). Collection method: clinical testing. Allele origin: germline.
Comment: For these reasons, this variant has been classified as Pathogenic. This variant has not been reported in the literature in individuals affected with USH2A-related conditions. This variant is not present in population databases (gnomAD no frequency). This sequence change creates a premature translational stop signal (p.Ser2546*) in the USH2A gene. It is expected to result in an absent or disrupted protein product. Loss-of-function variants in USH2A are known to be pathogenic (PMID: 10729113, 10909849, 20507924, 25649381).

Literature cited by the submitters: PubMed 10729113; PubMed 10909849; PubMed 20507924; PubMed 25649381.